The following is an entry in ClinVar:

NM_033380.3(COL4A5):c.3518G>T (p.Gly1173Val)

Gene: COL4A5 (collagen type IV alpha 5 chain; plus strand). Cytogenetic location: Xq22.3.
Variant type: single nucleotide variant.
Coding change: c.3518G>T on transcript NM_033380.3 (MANE Select); coding-DNA position 3518, G replaced by T.
Protein change: p.Gly1173Val; replaces glycine 1173 with valine.
Molecular consequence: missense variant.
Genome position (GRCh38, 1-based): chrX:108,666,559, G>T. VCF-style: chrX-108666559-G-T. GRCh37 (hg19) VCF-style: chrX-107909789-G-T.
Other names: c.3518G>T, p.Gly1173Val (NM_000495.5); short protein forms G1173V.
Identifiers: ClinVar variation 5016514 (VCV005016514.1).

ClinVar aggregate classification (germline): Likely pathogenic (1 of 4 stars; one submission).

Conditions:
Hematuria. Identifiers: MedGen C0018965, HP:0000790.

Submission:

Genetics Laboratory, Great Ormond Street Hospital NHS Foundation Trust, North Thames Genomic Laboratory Hub
Classification: Likely pathogenic for Haematuria. Last evaluated: 2026-08-11. Review status: criteria provided, single submitter. Criteria: ACGS Best Practice Guidelines for Variant Classification in Rare Disease 2024 v1.2. Collection method: clinical testing. Allele origin: germline. Affected: yes.
Comment: PS4_supporting, PM2_moderate, PP3_supporting, PM1_strong